The following is an entry in ClinVar:

NM_033100.4(CDHR1):c.297+1G>A

Gene: CDHR1 (cadherin related family member 1; plus strand). Cytogenetic location: 10q23.1.
Variant type: single nucleotide variant.
Coding change: c.297+1G>A on transcript NM_033100.4 (MANE Select); the canonical splice donor site of the intron after coding-DNA position 297, G replaced by A.
Molecular consequence: splice donor variant.
Genome position (GRCh38, 1-based): chr10:84,196,651, G>A. VCF-style: chr10-84196651-G-A. GRCh37 (hg19) VCF-style: chr10-85956407-G-A.
Other names: c.297+1G>A (NM_001171971.3).
Identifiers: ClinVar variation 1911771 (VCV001911771.5), dbSNP rs1464226905, ClinGen allele CA377370502.
Genomic context (GRCh38, chr10:84,196,651, plus strand): 5'-GTCTTTTCTGTTGACCCCACTTTTGGAAACATCACCCTGGTTGAAGAGCTGGACAGAGAG[G>A]TATGGGGAGGTGTGGGGAGTGCTGCGGGGCCACTGCCTGTAGACAGACCTCGGTGGGCTG-3'

ClinVar aggregate classification (germline): Likely pathogenic (1 of 4 stars; one submission).

gnomAD v4.1: 9 of 1,614,162 alleles (0.00056%); highest among the groups gnomAD compares: African/African-American, 0.0027%; no homozygotes.

Submission:

Labcorp Genetics (formerly Invitae), Labcorp
Classification: Likely pathogenic. Last evaluated: 2022-12-19. Review status: criteria provided, single submitter. Criteria: Invitae Variant Classification Sherloc (09022015). Collection method: clinical testing. Allele origin: germline.
Comment: Disruption of this splice site has been observed in individual(s) with macular dystrophy (PMID: 32681094). In summary, the currently available evidence indicates that the variant is pathogenic, but additional data are needed to prove that conclusively. Therefore, this variant has been classified as Likely Pathogenic. Algorithms developed to predict the effect of sequence changes on RNA splicing suggest that this variant may disrupt the consensus splice site. This variant is present in population databases (no rsID available, gnomAD 0.0009%). This sequence change affects a donor splice site in intron 3 of the CDHR1 gene. It is expected to disrupt RNA splicing. Variants that disrupt the donor or acceptor splice site typically lead to a loss of protein function (PMID: 16199547), and loss-of-function variants in CDHR1 are known to be pathogenic (PMID: 23044944, 23591405, 26103963, 26261414).

Literature cited by the submitters: PubMed 32681094; PubMed 16199547; PubMed 23044944; PubMed 23591405; PubMed 26103963; PubMed 26261414.